The following is an entry in ClinVar:

NM_014000.3(VCL):c.1792G>A (p.Val598Ile)

Gene: VCL (vinculin; plus strand). Cytogenetic location: 10q22.2.
Variant type: single nucleotide variant.
Coding change: c.1792G>A on transcript NM_014000.3 (MANE Select); coding-DNA position 1792, G replaced by A.
Protein change: p.Val598Ile; replaces valine 598 with isoleucine.
Molecular consequence: missense variant.
Genome position (GRCh38, 1-based): chr10:74,097,252, G>A. VCF-style: chr10-74097252-G-A. GRCh37 (hg19) VCF-style: chr10-75857010-G-A.
Other names: c.1792G>A, p.Val598Ile (NM_003373.4); short protein forms V598I.
Identifiers: ClinVar variation 45590 (VCV000045590.6), dbSNP rs397517235, ClinGen allele CA136724.

ClinVar aggregate classification (germline): Uncertain significance. Review status: criteria provided, multiple submitters, no conflicts (2 of 4 stars). 2 submissions from 2 submitters: Uncertain significance (2). Last evaluated 2025-02-25.

gnomAD v4.1: 4 of 1,614,160 alleles (0.00025%); highest among the groups gnomAD compares: Non-Finnish European, 0.00034%; no homozygotes.

Submissions (2):

Mayo Clinic Laboratories, Mayo Clinic
Classification: Uncertain significance. Last evaluated: 2025-02-25. Review status: criteria provided, single submitter. Criteria: ACMG Guidelines, 2015. Collection method: clinical testing. Allele origin: germline. Observed: 1 variant allele.
Comment: BP4_moderate, PM2_supporting

Laboratory for Molecular Medicine, Mass General Brigham Personalized Medicine
Classification: Uncertain significance. Last evaluated: 2011-09-07. Review status: criteria provided, single submitter. Criteria: LMM Criteria. Collection method: clinical testing. Allele origin: germline. Observed: 1 variant allele.
Comment: Valine (Val) at position 598 is conserved across evolutionarily distant species, increasing t he likelihood that the change would not be tolerated. However, three computation al tools (AlignGVGD, Polyphen2, and SIFT) predict this change to be benign, thou gh their accuracy is unknown. Therefore, in the absence of additional data, the clinical significance of this variant cannot be determined at this time.